The following is an entry in ClinVar:

ClinVar aggregate classification (germline): Uncertain significance (1 of 4 stars; one submission).

Submission:

Labcorp Genetics (formerly Invitae), Labcorp
Classification: Uncertain significance. Last evaluated: 2022-04-12. Review status: criteria provided, single submitter. Criteria: Invitae Variant Classification Sherloc (09022015). Collection method: clinical testing. Allele origin: germline.
Comment: In summary, the available evidence is currently insufficient to determine the role of this variant in disease. Therefore, it has been classified as a Variant of Uncertain Significance. Algorithms developed to predict the effect of missense changes on protein structure and function (SIFT, PolyPhen-2, Align-GVGD) all suggest that this variant is likely to be tolerated. This variant has not been reported in the literature in individuals affected with SBF1-related conditions. This variant is not present in population databases (gnomAD no frequency). This sequence change replaces proline, which is neutral and non-polar, with glutamine, which is neutral and polar, at codon 679 of the SBF1 protein (p.Pro679Gln).

NM_002972.4(SBF1):c.2036C>A (p.Pro679Gln)

Gene: SBF1 (SET binding factor 1; minus strand). Cytogenetic location: 22q13.33.
Variant type: single nucleotide variant.
Coding change: c.2036C>A on transcript NM_002972.4 (MANE Select); coding-DNA position 2036, C replaced by A.
Protein change: p.Pro679Gln; replaces proline 679 with glutamine.
Molecular consequence: missense variant.
Genome position (GRCh38, 1-based): chr22:50,462,650, G>T on the plus strand (C>A on the coding strand, the complement: SBF1 is on the minus strand). VCF-style: chr22-50462650-G-T. GRCh37 (hg19) VCF-style: chr22-50901079-G-T.
Other names: c.2039C>A, p.Pro680Gln (NM_001365819.1, NM_001410794.1); c.2036C>A, p.Pro679Gln (NM_001410795.1, NM_197971.1); short protein forms P679Q, P680Q.
Identifiers: ClinVar variation 1938849 (VCV001938849.4), dbSNP rs775416935, ClinGen allele CA325532711.